The following is an entry in ClinVar:

NM_021096.4(CACNA1I):c.1599G>A (p.Ala533=)

Gene: CACNA1I (calcium voltage-gated channel subunit alpha1 I; plus strand). Cytogenetic location: 22q13.1.
Variant type: single nucleotide variant.
Coding change: c.1599G>A on transcript NM_021096.4 (MANE Select); coding-DNA position 1599, G replaced by A.
Protein change: p.Ala533=; no amino-acid change (alanine 533 retained).
Molecular consequence: synonymous variant.
Genome position (GRCh38, 1-based): chr22:39,649,532, G>A. VCF-style: chr22-39649532-G-A. GRCh37 (hg19) VCF-style: chr22-40045537-G-A.
Other names: c.1494G>A, p.Ala498= (NM_001003406.2).
Identifiers: ClinVar variation 777741 (VCV000777741.29), dbSNP rs60658758, ClinGen allele CA10243894.

ClinVar aggregate classification (germline): Benign/Likely benign. Review status: criteria provided, multiple submitters, no conflicts (2 of 4 stars). 5 submissions from 5 submitters: Benign (2); Likely benign (2). 1 of the submissions does not count toward it. Last evaluated 2024-11-28.

Conditions:
CACNA1I-related disorder. Also called: CACNA1I-related condition.

Allele frequency attached by ClinVar (database versions not stated): ESP Exome Variant Server 0.00137; gnomAD 0.00279 and 0.00282; TOPMed 0.00295; 1000 Genomes Project 30x 0.00312; 1000 Genomes Project 0.00339; gnomAD exomes 0.00340 and 0.00372; ExAC 0.00753.
gnomAD v4.1: 5,270 of 1,559,252 alleles (0.34%); highest among the groups gnomAD compares: Middle Eastern, 2.9%; 23 homozygotes.

Submissions (5):

Blueprint Genetics
Classification: Likely benign. Last evaluated: 2024-11-28. Review status: criteria provided, single submitter. Criteria: ACMG Guidelines, 2015. Collection method: clinical testing. Allele origin: germline.

CeGaT Center for Human Genetics Tuebingen
Classification: Likely benign. Last evaluated: 2023-09-01. Review status: criteria provided, single submitter. Criteria: CeGaT Center For Human Genetics Tuebingen Variant Classification Criteria Version 2. Collection method: clinical testing. Allele origin: germline. Affected: yes. Observed: 2 variant alleles.
Comment: CACNA1I: BP4, BP7

Labcorp Genetics (formerly Invitae), Labcorp
Classification: Benign. Last evaluated: 2017-09-29. Review status: criteria provided, single submitter. Criteria: Invitae Variant Classification Sherloc (09022015). Collection method: clinical testing. Allele origin: germline.

Breakthrough Genomics
Classification: Benign. Review status: criteria provided, single submitter. Criteria: ACMG Guidelines, 2015. Collection method: not provided. Allele origin: germline. Inheritance: Autosomal dominant inheritance. Affected: yes.

PreventionGenetics, part of Exact Sciences
Classification: Benign for CACNA1I-related condition. Last evaluated: 2024-06-18. Review status: no assertion criteria provided. Collection method: clinical testing. Allele origin: germline. Not counted in ClinVar's aggregate classification.
Comment: This variant is classified as benign based on ACMG/AMP sequence variant interpretation guidelines (Richards et al. 2015 PMID: 25741868, with internal and published modifications).